The following is an entry in ClinVar:

ClinVar aggregate classification (germline): Uncertain significance. Review status: criteria provided, multiple submitters, no conflicts (2 of 4 stars). 2 submissions from 2 submitters: Uncertain significance (2). Last evaluated 2025-03-19.

Conditions:
EP300-related disorder. Also called: EP300-related disorders; EP300-related condition.

gnomAD v4.1: 3 of 1,614,104 alleles (0.00019%); highest among the groups gnomAD compares: Non-Finnish European, 0.00025%; no homozygotes.

Submissions (2):

PreventionGenetics, part of Exact Sciences
Classification: Uncertain significance for EP300-related condition. Last evaluated: 2025-03-19. Review status: criteria provided, single submitter. Criteria: ACMG Guidelines, 2015. Collection method: clinical testing. Allele origin: germline.
Comment: The EP300 c.6338T>C variant is predicted to result in the amino acid substitution p.Leu2113Pro. To our knowledge, this variant has not been reported in the literature or in a large population database (gnomAD), indicating this variant is rare. At this time, the clinical significance of this variant is uncertain due to the absence of conclusive functional and genetic evidence.

Blueprint Genetics
Classification: Uncertain significance. Last evaluated: 2021-09-15. Review status: criteria provided, single submitter. Criteria: ACMG Guidelines, 2015. Collection method: clinical testing. Allele origin: germline.

NM_001429.4(EP300):c.6338T>C (p.Leu2113Pro)

Gene: EP300 (EP300 lysine acetyltransferase; plus strand). Cytogenetic location: 22q13.2.
Variant type: single nucleotide variant.
Coding change: c.6338T>C on transcript NM_001429.4 (MANE Select); coding-DNA position 6338, T replaced by C.
Protein change: p.Leu2113Pro; replaces leucine 2113 with proline.
Molecular consequence: missense variant.
Genome position (GRCh38, 1-based): chr22:41,178,049, T>C. VCF-style: chr22-41178049-T-C. GRCh37 (hg19) VCF-style: chr22-41574053-T-C.
Other names: c.6338T>C (NM_001429.3); c.6260T>C, p.Leu2087Pro (NM_001362843.2); short protein forms L2087P, L2113P.
Identifiers: ClinVar variation 4948128 (VCV004948128.2).